The following is an entry in ClinVar:

NM_005338.7(HIP1):c.1523G>A (p.Arg508Gln)

Gene: HIP1 (huntingtin interacting protein 1; minus strand). Cytogenetic location: 7q11.23.
Variant type: single nucleotide variant.
Coding change: c.1523G>A on transcript NM_005338.7 (MANE Select); coding-DNA position 1523, G replaced by A.
Protein change: p.Arg508Gln; replaces arginine 508 with glutamine.
Molecular consequence: missense variant.
Genome position (GRCh38, 1-based): chr7:75,557,712, C>T on the plus strand (G>A on the coding strand, the complement: HIP1 is on the minus strand). VCF-style: chr7-75557712-C-T. GRCh37 (hg19) VCF-style: chr7-75187016-C-T.
Other names: c.1523G>A, p.Arg508Gln (NM_001243198.3); short protein forms R508Q.
Identifiers: ClinVar variation 729279 (VCV000729279.6), dbSNP rs151075297, ClinGen allele CA4302277.

ClinVar aggregate classification (germline): Benign. Review status: criteria provided, single submitter (1 of 4 stars). 2 submissions from 2 submitters: Benign (1). 1 of the submissions does not count toward it. Last evaluated 2019-12-31.

Conditions:
HIP1-related disorder. Also called: HIP1-related condition.

Allele frequency attached by ClinVar (database versions not stated): gnomAD exomes 0.00045 and 0.00121; gnomAD 0.00054 and 0.00071; TOPMed 0.00082; ExAC 0.00119; 1000 Genomes Project 30x 0.00312; 1000 Genomes Project 0.00319.
gnomAD v4.1: 846 of 1,614,138 alleles (0.052%); highest among the groups gnomAD compares: East Asian, 1.3%; 13 homozygotes.

Submissions (2):

Labcorp Genetics (formerly Invitae), Labcorp
Classification: Benign. Last evaluated: 2019-12-31. Review status: criteria provided, single submitter. Criteria: Invitae Variant Classification Sherloc (09022015). Collection method: clinical testing. Allele origin: germline.

PreventionGenetics, part of Exact Sciences
Classification: Benign for HIP1-related condition. Last evaluated: 2019-03-11. Review status: no assertion criteria provided. Collection method: clinical testing. Allele origin: germline. Not counted in ClinVar's aggregate classification.
Comment: This variant is classified as benign based on ACMG/AMP sequence variant interpretation guidelines (Richards et al. 2015 PMID: 25741868, with internal and published modifications).